The following is an entry in ClinVar:

ClinVar aggregate classification (germline): Likely benign (1 of 4 stars; one submission).

Conditions:
Familial cancer of breast. Also called: Hereditary breast cancer; BREAST CANCER, FAMILIAL; hereditary breast carcinoma. Identifiers: Orphanet 227535, MedGen C0346153, MONDO:0016419, OMIM 114480. Disease mechanism: loss of function.

Submission:

Myriad Genetics, Inc.
Classification: Likely benign for Familial cancer of breast. Last evaluated: 2024-10-03. Review status: criteria provided, single submitter. Criteria: Myriad Autosomal Dominant, Autosomal Recessive and X-Linked Classification Criteria (2023). Collection method: clinical testing. Allele origin: unknown.
Comment: This variant is considered likely benign. This variant is intronic and is not expected to impact mRNA splicing.

NM_007194.4(CHEK2):c.847-9del

Gene: CHEK2 (checkpoint kinase 2; minus strand). Cytogenetic location: 22q12.1.
Variant type: Deletion.
Coding change: c.847-9del on transcript NM_007194.4 (MANE Select); 9 bases into the intron before coding-DNA position 847, one base deleted (T; older notation c.847-9delT).
Molecular consequence: intron variant.
Genome position (GRCh38, 1-based): chr22:28,703,575, A deleted on the plus strand (T on the coding strand, the reverse complement: CHEK2 is on the minus strand). VCF-style (leftmost placement, unchanged base first): chr22-28703574-GA-G. GRCh37 (hg19) VCF-style: chr22-29099562-GA-G.
Other names: c.184-9del (NM_001437942.1, NM_001257387.3); c.646-9del (NM_001349956.3); c.847-9del (NM_145862.3); c.940-9del (NM_001438295.1, NM_001438293.1); c.976-9del (NM_001438294.1, NM_001005735.3).
Identifiers: ClinVar variation 3772912 (VCV003772912.1).